The following is an entry in ClinVar:

NM_000751.3(CHRND):c.1375A>G (p.Lys459Glu)

Gene: CHRND (cholinergic receptor nicotinic delta subunit; plus strand). Cytogenetic location: 2q37.1.
Variant type: single nucleotide variant.
Coding change: c.1375A>G on transcript NM_000751.3 (MANE Select); coding-DNA position 1375, A replaced by G.
Protein change: p.Lys459Glu; replaces lysine 459 with glutamic acid.
Molecular consequence: missense variant.
Genome position (GRCh38, 1-based): chr2:232,535,133, A>G. VCF-style: chr2-232535133-A-G. GRCh37 (hg19) VCF-style: chr2-233399843-A-G.
Other names: c.1330A>G, p.Lys444Glu (NM_001256657.2); c.793A>G, p.Lys265Glu (NM_001311195.2); c.1072A>G, p.Lys358Glu (NM_001311196.2); short protein forms K459E, K265E, K358E, K444E.
Identifiers: ClinVar variation 2010119 (VCV002010119.4), dbSNP rs1691838565, ClinGen allele CA351005887.

ClinVar aggregate classification (germline): Uncertain significance (1 of 4 stars; one submission).

Conditions:
Lethal multiple pterygium syndrome (LMPS). Identifiers: Orphanet 33108, MedGen C1854678, MONDO:0009668, OMIM 253290.

Allele frequency attached by ClinVar (database versions not stated): TOPMed below 0.00001.

Submission:

Labcorp Genetics (formerly Invitae), Labcorp
Classification: Uncertain significance for Lethal multiple pterygium syndrome. Last evaluated: 2022-06-24. Review status: criteria provided, single submitter. Criteria: Invitae Variant Classification Sherloc (09022015). Collection method: clinical testing. Allele origin: germline.
Comment: This variant is not present in population databases (gnomAD no frequency). In summary, the available evidence is currently insufficient to determine the role of this variant in disease. Therefore, it has been classified as a Variant of Uncertain Significance. Advanced modeling of protein sequence and biophysical properties (such as structural, functional, and spatial information, amino acid conservation, physicochemical variation, residue mobility, and thermodynamic stability) performed at Invitae indicates that this missense variant is not expected to disrupt CHRND protein function. This variant has not been reported in the literature in individuals affected with CHRND-related conditions. This sequence change replaces lysine, which is basic and polar, with glutamic acid, which is acidic and polar, at codon 459 of the CHRND protein (p.Lys459Glu).